The following is an entry in ClinVar:

ClinVar aggregate classification (germline): Conflicting classifications of pathogenicity. Review status: criteria provided, conflicting classifications (1 of 4 stars). 2 submissions from 2 submitters: Uncertain significance (1); Likely benign (1). Last evaluated 2022-09-02.

Conditions:
Intellectual developmental disorder, autosomal dominant 39. Also called: Mental retardation, autosomal dominant 39; Intellectual disability, autosomal dominant 39. Identifiers: MedGen C4225296, MONDO:0014678, OMIM 616521.

Allele frequency attached by ClinVar (database versions not stated): gnomAD exomes below 0.00001 and 0.00001; TOPMed below 0.00001; ExAC 0.00001.
gnomAD v4.1: 4 of 1,613,920 alleles (0.00025%); highest among the groups gnomAD compares: Non-Finnish European, 0.00034%; no homozygotes.

Submissions (2):

Victorian Clinical Genetics Services, Murdoch Childrens Research Institute
Classification: Likely benign for Intellectual developmental disorder, autosomal dominant 39. Last evaluated: 2022-09-02. Review status: criteria provided, single submitter. Criteria: ACMG Guidelines, 2015. Collection method: clinical testing. Allele origin: germline. Inheritance: Autosomal dominant inheritance. Affected: yes.
Comment: Based on the classification scheme VCGS_Germline_v1.3.4, this variant is classified as Likely benign. Following criteria are met: 0102 - Loss of function is a known mechanism of disease in this gene and is associated with autosomal dominant intellectual developmental disorder 39 (MIM#616521). (I) 0107 - This gene is associated with autosomal dominant disease. (I) 0115 - Variants in this gene are known to have variable expressivity. Patients with pathogenic variants in this gene presented with variable phenotype and severity (PMID: 33622623). (I) 0200 - Variant is predicted to result in a missense amino acid change from tyrosine to cysteine. (I) 0251 - This variant is heterozygous. (I) 0302 - Variant is present in gnomAD <0.001 for a dominant condition (v2: 1 heterozygote, 0 homozygotes). (SP) 0501 - Missense variant consistently predicted to be damaging by multiple in silico tools or highly conserved with a major amino acid change. (SP) 0600 - Variant is located in the annotated Myelin transcription factor 1 domain (NCBI, DECIPHER). (I) 0705 - No comparable missense variants have previous evidence for pathogenicity. (I) 0809 - Previous evidence of pathogenicity for this variant is inconclusive. It has been reported as a VUS in ClinVar. (I) 0904 - Non-segregation of this variant with the phenotype under investigation has been clearly demonstrated. (SB) 1007 - No published functional evidence has been identified for this variant. (I) Legend: (SP) - Supporting pathogenic, (I) - Information, (SB) - Supporting benign

GeneDx
Classification: Uncertain significance. Last evaluated: 2021-04-16. Review status: criteria provided, single submitter. Criteria: GeneDx Variant Classification Process June 2021. Collection method: clinical testing. Allele origin: germline. Affected: yes.
Comment: In silico analysis, which includes protein predictors and evolutionary conservation, supports a deleterious effect; Has not been previously published as pathogenic or benign to our knowledge

Literature cited by the submitters: PubMed 33622623 (cited by Victorian Clinical Genetics Services, Murdoch Childrens Research Institute).

NM_001303052.2(MYT1L):c.1862A>G (p.Tyr621Cys)

Gene: MYT1L (myelin transcription factor 1 like; minus strand). Cytogenetic location: 2p25.3.
Variant type: single nucleotide variant.
Coding change: c.1862A>G on transcript NM_001303052.2 (MANE Select); coding-DNA position 1862, A replaced by G.
Protein change: p.Tyr621Cys; replaces tyrosine 621 with cysteine.
Molecular consequence: missense variant.
Genome position (GRCh38, 1-based): chr2:1,903,250, T>C on the plus strand (A>G on the coding strand, the complement: MYT1L is on the minus strand). VCF-style: chr2-1903250-T-C. GRCh37 (hg19) VCF-style: chr2-1907022-T-C.
Other names: c.1862A>G, p.Tyr621Cys (NM_001329844.2, NM_001329845.1, NM_001329851.3); c.1856A>G, p.Tyr619Cys (NM_001329846.3, NM_001329847.2, NM_001329848.1 and 3 more transcripts); short protein forms Y619C, Y621C.
Identifiers: ClinVar variation 1219998 (VCV001219998.6), dbSNP rs765731360, ClinGen allele CA1514123.